The following is an entry in ClinVar:

ClinVar aggregate classification (germline): Uncertain significance (1 of 4 stars; one submission).

Conditions:
Purine-nucleoside phosphorylase deficiency. Also called: NUCLEOSIDE PHOSPHORYLASE DEFICIENCY; Immunodeficiency due to purine nucleoside phosphorylase deficiency. Identifiers: Orphanet 760, MedGen C0268125, MONDO:0013171, OMIM 613179.

Allele frequency attached by ClinVar (database versions not stated): gnomAD exomes below 0.00001.
gnomAD v4.1: 1 of 1,613,782 alleles (0.000062%); highest among the groups gnomAD compares: South Asian, 0.0011%; no homozygotes.

Submission:

Labcorp Genetics (formerly Invitae), Labcorp
Classification: Uncertain significance for Purine-nucleoside phosphorylase deficiency. Last evaluated: 2022-06-28. Review status: criteria provided, single submitter. Criteria: Invitae Variant Classification Sherloc (09022015). Collection method: clinical testing. Allele origin: germline.
Comment: In summary, the available evidence is currently insufficient to determine the role of this variant in disease. Therefore, it has been classified as a Variant of Uncertain Significance. Algorithms developed to predict the effect of missense changes on protein structure and function (SIFT, PolyPhen-2, Align-GVGD) all suggest that this variant is likely to be tolerated. This variant has not been reported in the literature in individuals affected with PNP-related conditions. This variant is not present in population databases (gnomAD no frequency). This sequence change replaces histidine, which is basic and polar, with tyrosine, which is neutral and polar, at codon 20 of the PNP protein (p.His20Tyr).

NM_000270.4(PNP):c.58C>T (p.His20Tyr)

Gene: PNP (purine nucleoside phosphorylase; plus strand). Cytogenetic location: 14q11.2.
Variant type: single nucleotide variant.
Coding change: c.58C>T on transcript NM_000270.4 (MANE Select); coding-DNA position 58, C replaced by T.
Protein change: p.His20Tyr; replaces histidine 20 with tyrosine.
Molecular consequence: missense variant.
Genome position (GRCh38, 1-based): chr14:20,472,354, C>T. VCF-style: chr14-20472354-C-T. GRCh37 (hg19) VCF-style: chr14-20940513-C-T.
Other names: short protein forms H20Y.
Identifiers: ClinVar variation 1367694 (VCV001367694.6), dbSNP rs2139335191, ClinGen allele CA389144234.
Genomic context (GRCh38, chr14:20,472,354, plus strand): 5'-TTTTTCTCCCCCAGATACACCTATGAAGATTATAAGAACACTGCAGAATGGCTTCTGTCT[C>T]ACACTAAGCACCGACCTCAAGTTGCAATAATCTGTGGTTCTGGATTAGGAGGTCTGACTG-3'
Protein context (NP_000261.2, residues 10-30): YKNTAEWLLS[His20Tyr]TKHRPQVAII